The following is an entry in ClinVar:

ClinVar aggregate classification (germline): Uncertain significance. Review status: criteria provided, multiple submitters, no conflicts (2 of 4 stars). 5 submissions from 5 submitters: Uncertain significance (5). Last evaluated 2025-02-19.

Conditions:
Inborn genetic diseases. Identifiers: MedGen C0950123, MeSH D030342.
Atelosteogenesis type I. Also called: GIANT CELL CHONDRODYSPLASIA; Atelosteogenesis Type 1 (FLNB-AO1); SPONDYLOHUMEROFEMORAL HYPOPLASIA. Identifiers: Orphanet 1190, MedGen C0265283, MONDO:0007167, OMIM 108720.
Atelosteogenesis type III. Also called: Atelosteogenesis Type 3 (FLNB-AO3). Identifiers: Orphanet 56305, MedGen C3668942, MONDO:0007168, OMIM 108721.
FLNB-Related Spectrum Disorders.

Allele frequency attached by ClinVar (database versions not stated): gnomAD exomes 0.00001 and 0.00003; ExAC 0.00002; TOPMed 0.00002; gnomAD 0.00003; ESP Exome Variant Server 0.00008.
gnomAD v4.1: 49 of 1,614,000 alleles (0.003%); highest among the groups gnomAD compares: Non-Finnish European, 0.0038%; no homozygotes.

Submissions (5):

Labcorp Genetics (formerly Invitae), Labcorp
Classification: Uncertain significance. Last evaluated: 2025-02-19. Review status: criteria provided, single submitter. Criteria: Invitae Variant Classification Sherloc (09022015). Collection method: clinical testing. Allele origin: germline.
Comment: This sequence change replaces alanine, which is neutral and non-polar, with valine, which is neutral and non-polar, at codon 259 of the FLNB protein (p.Ala259Val). This variant is present in population databases (rs376619286, gnomAD 0.003%). This variant has not been reported in the literature in individuals affected with FLNB-related conditions. ClinVar contains an entry for this variant (Variation ID: 346301). Invitae Evidence Modeling of protein sequence and biophysical properties (such as structural, functional, and spatial information, amino acid conservation, physicochemical variation, residue mobility, and thermodynamic stability) indicates that this missense variant is not expected to disrupt FLNB protein function with a negative predictive value of 95%. In summary, the available evidence is currently insufficient to determine the role of this variant in disease. Therefore, it has been classified as a Variant of Uncertain Significance.

Ambry Genetics
Classification: Uncertain significance for Inborn genetic diseases. Last evaluated: 2024-06-13. Review status: criteria provided, single submitter. Criteria: Ambry Variant Classification Scheme 2023. Collection method: clinical testing. Allele origin: germline.

Centre for Mendelian Genomics, University Medical Centre Ljubljana
Classification: Uncertain significance for Atelosteogenesis type III. Last evaluated: 2020-01-08. Review status: criteria provided, single submitter. Criteria: ACMG Guidelines, 2015. Collection method: clinical testing. Allele origin: unknown. Affected: yes.
Comment: This variant was classified as: Uncertain significance. The available evidence on this variant's pathogenicity is insufficient or conflicting. The following ACMG criteria were applied in classifying this variant: PP3,BP1.

Institute of Human Genetics, University of Leipzig Medical Center
Classification: Uncertain significance for Atelosteogenesis type I. Last evaluated: 2018-12-01. Review status: criteria provided, single submitter. Criteria: ACMG Guidelines, 2015. Collection method: clinical testing. Allele origin: germline. Affected: yes. Observed: 1 variant allele.

Illumina Laboratory Services, Illumina
Classification: Uncertain significance for FLNB-Related Spectrum Disorders. Last evaluated: 2018-01-12. Review status: criteria provided, single submitter. Criteria: ICSL Variant Classification Criteria 13 December 2019. Collection method: clinical testing. Allele origin: germline.

NM_001457.4(FLNB):c.776C>T (p.Ala259Val)

Gene: FLNB (filamin B; plus strand). Cytogenetic location: 3p14.3.
Variant type: single nucleotide variant.
Coding change: c.776C>T on transcript NM_001457.4 (MANE Select); coding-DNA position 776, C replaced by T.
Protein change: p.Ala259Val; replaces alanine 259 with valine.
Molecular consequence: missense variant.
Genome position (GRCh38, 1-based): chr3:58,081,765, C>T. VCF-style: chr3-58081765-C-T. GRCh37 (hg19) VCF-style: chr3-58067492-C-T.
Other names: c.776C>T, p.Ala259Val (NM_001164317.2, NM_001164318.2, NM_001164319.2); short protein forms A259V.
Identifiers: ClinVar variation 346301 (VCV000346301.15), dbSNP rs376619286, ClinGen allele CA2467612.